The following is an entry in ClinVar:

ClinVar aggregate classification (germline): Conflicting classifications of pathogenicity. Review status: criteria provided, conflicting classifications (1 of 4 stars). 4 submissions from 4 submitters: Uncertain significance (3); Likely benign (1). Last evaluated 2026-01-30.

Conditions:
Hereditary cancer-predisposing syndrome. Also called: Hereditary neoplastic syndrome; Hereditary Cancer Syndrome; Neoplastic Syndromes, Hereditary; Tumor predisposition. Identifiers: Orphanet 140162, MedGen C0027672, MeSH D009386, MONDO:0015356.
Ataxia-telangiectasia syndrome (AT). Also called: Ataxia-telangiectasia, complementation group D; Cerebello-oculocutaneous telangiectasia; Immunodeficiency with ataxia telangiectasia; ATAXIA-TELANGIECTASIA, COMPLEMENTATION GROUP A; ATAXIA-TELANGIECTASIA, FRESNO VARIANT; LOUIS-BAR SYNDROME. Identifiers: Orphanet 100, MedGen C0004135, MONDO:0008840, OMIM 208900.

Submissions (4):

Labcorp Genetics (formerly Invitae), Labcorp
Classification: Uncertain significance for Ataxia-telangiectasia syndrome. Last evaluated: 2026-01-30. Review status: criteria provided, single submitter. Criteria: Invitae Variant Classification Sherloc (09022015). Collection method: clinical testing. Allele origin: germline.
Comment: This sequence change replaces isoleucine, which is neutral and non-polar, with threonine, which is neutral and polar, at codon 665 of the ATM protein (p.Ile665Thr). This variant is not present in population databases (gnomAD no frequency). This variant has not been reported in the literature in individuals affected with ATM-related conditions. ClinVar contains an entry for this variant (Variation ID: 419317). Invitae Evidence Modeling of protein sequence and biophysical properties (such as structural, functional, and spatial information, amino acid conservation, physicochemical variation, residue mobility, and thermodynamic stability) indicates that this missense variant is not expected to disrupt ATM protein function with a negative predictive value of 95%. In summary, the available evidence is currently insufficient to determine the role of this variant in disease. Therefore, it has been classified as a Variant of Uncertain Significance.

Ambry Genetics
Classification: Likely benign for Hereditary cancer-predisposing syndrome. Last evaluated: 2024-06-10. Review status: criteria provided, single submitter. Criteria: Ambry Variant Classification Scheme 2023. Collection method: clinical testing. Allele origin: germline.

Color Diagnostics, LLC DBA Color Health
Classification: Uncertain significance for Hereditary cancer-predisposing syndrome. Last evaluated: 2023-12-05. Review status: criteria provided, single submitter. Criteria: ACMG Guidelines, 2015. Collection method: clinical testing. Allele origin: germline.
Comment: This missense variant replaces isoleucine with threonine at codon 665 of the ATM protein. Computational prediction suggests that this variant may not impact protein structure and function (internally defined REVEL score threshold <= 0.5, PMID: 27666373). To our knowledge, functional studies have not been reported for this variant. This variant has not been reported in individuals affected with ATM-related disorders in the literature. This variant has not been identified in the general population by the Genome Aggregation Database (gnomAD). The available evidence is insufficient to determine the role of this variant in disease conclusively. Therefore, this variant is classified as a Variant of Uncertain Significance.

GeneDx
Classification: Uncertain significance. Last evaluated: 2020-05-20. Review status: criteria provided, single submitter. Criteria: GeneDx Variant Classification Process June 2021. Collection method: clinical testing. Allele origin: germline. Affected: yes.
Comment: Not observed in large population cohorts (Lek et al., 2016); In silico analysis supports that this missense variant does not alter protein structure/function; Has not been previously published as pathogenic or benign to our knowledge

NM_000051.4(ATM):c.1994T>C (p.Ile665Thr)

Gene: ATM (ATM serine/threonine kinase; plus strand). Cytogenetic location: 11q22.3.
Variant type: single nucleotide variant.
Coding change: c.1994T>C on transcript NM_000051.4 (MANE Select); coding-DNA position 1994, T replaced by C.
Protein change: p.Ile665Thr; replaces isoleucine 665 with threonine.
Molecular consequence: missense variant.
Genome position (GRCh38, 1-based): chr11:108,253,909, T>C. VCF-style: chr11-108253909-T-C. GRCh37 (hg19) VCF-style: chr11-108124636-T-C.
Other names: c.1994T>C, p.Ile665Thr (NM_001351834.2); short protein forms I665T.
Identifiers: ClinVar variation 419317 (VCV000419317.21), dbSNP rs1064793789, ClinGen allele CA16619131.
Genomic context (GRCh38, chr11:108,253,909, plus strand): 5'-TCTCAGAAGTAGAAGAACTATTTCTTCAGACAACTTTTGACAAGATGGACTTTTTAACCA[T>C]TGTGAGAGAATGTGGTATAGAAAAGCACCAGTCCAGTATTGGCTTCTCTGTCCACCAGAA-3'
Protein context (NP_000042.3, residues 655-675): TTFDKMDFLT[Ile665Thr]VRECGIEKHQ